The following is an entry in ClinVar:

ClinVar aggregate classification (germline): Uncertain significance (1 of 4 stars; one submission).

gnomAD v4.1: 1 of 1,610,908 alleles (0.000062%); highest among the groups gnomAD compares: Middle Eastern, 0.017%; no homozygotes.

Submission:

Labcorp Genetics (formerly Invitae), Labcorp
Classification: Uncertain significance. Last evaluated: 2025-10-26. Review status: criteria provided, single submitter. Criteria: Invitae Variant Classification Sherloc (09022015). Collection method: clinical testing. Allele origin: germline.
Comment: This sequence change replaces isoleucine, which is neutral and non-polar, with asparagine, which is neutral and polar, at codon 190 of the LARS2 protein (p.Ile190Asn). This variant is not present in population databases (gnomAD no frequency). This variant has not been reported in the literature in individuals affected with LARS2-related conditions. ClinVar contains an entry for this variant (Variation ID: 1992531). Invitae Evidence Modeling of protein sequence and biophysical properties (such as structural, functional, and spatial information, amino acid conservation, physicochemical variation, residue mobility, and thermodynamic stability) indicates that this missense variant is not expected to disrupt LARS2 protein function with a negative predictive value of 80%. In summary, the available evidence is currently insufficient to determine the role of this variant in disease. Therefore, it has been classified as a Variant of Uncertain Significance.

NM_015340.4(LARS2):c.569T>A (p.Ile190Asn)

Gene: LARS2 (leucyl-tRNA synthetase 2, mitochondrial; plus strand). Cytogenetic location: 3p21.31.
Variant type: single nucleotide variant.
Coding change: c.569T>A on transcript NM_015340.4 (MANE Select); coding-DNA position 569, T replaced by A.
Protein change: p.Ile190Asn; replaces isoleucine 190 with asparagine.
Molecular consequence: missense variant.
Genome position (GRCh38, 1-based): chr3:45,446,943, T>A. VCF-style: chr3-45446943-T-A. GRCh37 (hg19) VCF-style: chr3-45488435-T-A.
Other names: c.569T>A, p.Ile190Asn (NM_001368263.1); short protein forms I190N.
Identifiers: ClinVar variation 1992531 (VCV001992531.3), dbSNP rs1370389789, ClinGen allele CA352977675.